The following is an entry in ClinVar:

NM_001291303.3(FAT4):c.11570C>T (p.Ala3857Val)

Gene: FAT4 (FAT atypical cadherin 4; plus strand). Cytogenetic location: 4q28.1.
Variant type: single nucleotide variant.
Coding change: c.11570C>T on transcript NM_001291303.3 (MANE Select); coding-DNA position 11570, C replaced by T.
Protein change: p.Ala3857Val; replaces alanine 3857 with valine.
Molecular consequence: missense variant.
Genome position (GRCh38, 1-based): chr4:125,452,580, C>T. VCF-style: chr4-125452580-C-T. GRCh37 (hg19) VCF-style: chr4-126373735-C-T.
Other names: c.11570C>T, p.Ala3857Val (NM_001291285.3); c.11564C>T, p.Ala3855Val (NM_024582.6); short protein forms A3855V, A3857V.
Identifiers: ClinVar variation 1358811 (VCV001358811.6), dbSNP rs536513777, ClinGen allele CA104883308.

ClinVar aggregate classification (germline): Uncertain significance (1 of 4 stars; one submission).

Allele frequency attached by ClinVar (database versions not stated): gnomAD exomes 0.00001 and below 0.00001; gnomAD 0.00001; 1000 Genomes Project 30x 0.00016; TOPMed 0.00001; 1000 Genomes Project 0.00020.
gnomAD v4.1: 3 of 1,614,114 alleles (0.00019%); highest among the groups gnomAD compares: East Asian, 0.0022%; no homozygotes.

Submissions (2):

Labcorp Genetics (formerly Invitae), Labcorp
Classification: Uncertain significance. Last evaluated: 2022-07-05. Review status: criteria provided, single submitter. Criteria: Invitae Variant Classification Sherloc (09022015). Collection method: clinical testing. Allele origin: germline.
Comment: This sequence change replaces alanine, which is neutral and non-polar, with valine, which is neutral and non-polar, at codon 3855 of the FAT4 protein (p.Ala3855Val). This variant is not present in population databases (gnomAD no frequency). This variant has not been reported in the literature in individuals affected with FAT4-related conditions. ClinVar contains an entry for this variant (Variation ID: 1358811). Advanced modeling of protein sequence and biophysical properties (such as structural, functional, and spatial information, amino acid conservation, physicochemical variation, residue mobility, and thermodynamic stability) performed at Invitae indicates that this missense variant is not expected to disrupt FAT4 protein function. In summary, the available evidence is currently insufficient to determine the role of this variant in disease. Therefore, it has been classified as a Variant of Uncertain Significance.

Dr. Peter K. Rogan Lab, Western University
No classification provided (evidence only). Condition: Malignant tumor of urinary bladder. Review status: no classification provided. Collection method: in vitro. Allele origin: not applicable. Functional consequence: retained intron. Not counted in ClinVar's aggregate classification.